The following is an entry in ClinVar:

ClinVar aggregate classification (germline): Uncertain significance (1 of 4 stars; one submission).

gnomAD v4.1: 1 of 1,614,064 alleles (0.000062%); highest among the groups gnomAD compares: Non-Finnish European, 0.000085%; no homozygotes.

Submission:

Labcorp Genetics (formerly Invitae), Labcorp
Classification: Uncertain significance. Last evaluated: 2025-03-10. Review status: criteria provided, single submitter. Criteria: Invitae Variant Classification Sherloc (09022015). Collection method: clinical testing. Allele origin: germline.
Comment: This sequence change replaces alanine, which is neutral and non-polar, with serine, which is neutral and polar, at codon 120 of the EFTUD2 protein (p.Ala120Ser). This variant is not present in population databases (gnomAD no frequency). This variant has not been reported in the literature in individuals affected with EFTUD2-related conditions. Invitae Evidence Modeling of protein sequence and biophysical properties (such as structural, functional, and spatial information, amino acid conservation, physicochemical variation, residue mobility, and thermodynamic stability) indicates that this missense variant is not expected to disrupt EFTUD2 protein function with a negative predictive value of 80%. In summary, the available evidence is currently insufficient to determine the role of this variant in disease. Therefore, it has been classified as a Variant of Uncertain Significance.

NM_004247.4(EFTUD2):c.358G>T (p.Ala120Ser)

Gene: EFTUD2 (elongation factor Tu GTP binding domain containing 2; minus strand). Cytogenetic location: 17q21.31.
Variant type: single nucleotide variant.
Coding change: c.358G>T on transcript NM_004247.4 (MANE Select); coding-DNA position 358, G replaced by T.
Protein change: p.Ala120Ser; replaces alanine 120 with serine.
Molecular consequence: missense variant.
Genome position (GRCh38, 1-based): chr17:44,883,717, C>A on the plus strand (G>T on the coding strand, the complement: EFTUD2 is on the minus strand). VCF-style: chr17-44883717-C-A. GRCh37 (hg19) VCF-style: chr17-42961085-C-A.
Other names: c.253G>T, p.Ala85Ser (NM_001142605.2); c.358G>T, p.Ala120Ser (NM_001258353.2, NM_001258354.2); short protein forms A120S, A85S.
Identifiers: ClinVar variation 4781174 (VCV004781174.1).